The following is an entry in ClinVar:

ClinVar aggregate classification (germline): Uncertain significance (1 of 4 stars; one submission).

Allele frequency attached by ClinVar (database versions not stated): 1000 Genomes Project 30x 0.00016; 1000 Genomes Project 0.00020.
gnomAD v4.1: 22 of 1,614,096 alleles (0.0014%); highest among the groups gnomAD compares: East Asian, 0.02%; no homozygotes.

Submission:

Labcorp Genetics (formerly Invitae), Labcorp
Classification: Uncertain significance. Last evaluated: 2023-10-02. Review status: criteria provided, single submitter. Criteria: Invitae Variant Classification Sherloc (09022015). Collection method: clinical testing. Allele origin: germline.
Comment: This sequence change replaces arginine, which is basic and polar, with cysteine, which is neutral and slightly polar, at codon 50 of the CA4 protein (p.Arg50Cys). This variant is present in population databases (rs576319406, gnomAD 0.007%). This variant has not been reported in the literature in individuals affected with CA4-related conditions. ClinVar contains an entry for this variant (Variation ID: 1416341). Advanced modeling of protein sequence and biophysical properties (such as structural, functional, and spatial information, amino acid conservation, physicochemical variation, residue mobility, and thermodynamic stability) has been performed at Invitae for this missense variant, however the output from this modeling did not meet the statistical confidence thresholds required to predict the impact of this variant on CA4 protein function. In summary, the available evidence is currently insufficient to determine the role of this variant in disease. Therefore, it has been classified as a Variant of Uncertain Significance.

NM_000717.5(CA4):c.148C>T (p.Arg50Cys)

Gene: CA4 (carbonic anhydrase 4; plus strand). Cytogenetic location: 17q23.1.
Variant type: single nucleotide variant.
Coding change: c.148C>T on transcript NM_000717.5 (MANE Select); coding-DNA position 148, C replaced by T.
Protein change: p.Arg50Cys; replaces arginine 50 with cysteine.
Molecular consequence: missense variant. On other transcripts: non-coding transcript variant (1).
Genome position (GRCh38, 1-based): chr17:60,156,595, C>T. VCF-style: chr17-60156595-C-T. GRCh37 (hg19) VCF-style: chr17-58233956-C-T.
Other names: short protein forms R50C.
Identifiers: ClinVar variation 1416341 (VCV001416341.6), dbSNP rs576319406, ClinGen allele CA8685246.